The following is an entry in ClinVar:

ClinVar aggregate classification (germline): Uncertain significance. Review status: criteria provided, multiple submitters, no conflicts (2 of 4 stars). 3 submissions from 3 submitters: Uncertain significance (3). Last evaluated 2024-11-10.

Conditions:
Inborn genetic diseases. Identifiers: MedGen C0950123, MeSH D030342.

Allele frequency attached by ClinVar (database versions not stated): ExAC 0.00008; gnomAD 0.00008; TOPMed 0.00014; ESP Exome Variant Server 0.00031; 1000 Genomes Project 0.00040; 1000 Genomes Project 30x 0.00062.
gnomAD v4.1: 52 of 1,614,004 alleles (0.0032%); highest among the groups gnomAD compares: African/African-American, 0.032%; no homozygotes.

Submissions (3):

Ambry Genetics
Classification: Uncertain significance for Inborn genetic diseases. Last evaluated: 2024-11-10. Review status: criteria provided, single submitter. Criteria: Ambry Variant Classification Scheme 2023. Collection method: clinical testing. Allele origin: germline.

Blueprint Genetics
Classification: Uncertain significance. Last evaluated: 2023-09-25. Review status: criteria provided, single submitter. Criteria: ACMG Guidelines, 2015. Collection method: clinical testing. Allele origin: germline.

Labcorp Genetics (formerly Invitae), Labcorp
Classification: Uncertain significance. Last evaluated: 2022-08-10. Review status: criteria provided, single submitter. Criteria: Invitae Variant Classification Sherloc (09022015). Collection method: clinical testing. Allele origin: germline.
Comment: This sequence change replaces valine, which is neutral and non-polar, with methionine, which is neutral and non-polar, at codon 222 of the DENND5A protein (p.Val222Met). This variant is present in population databases (rs139062341, gnomAD 0.06%). This variant has not been reported in the literature in individuals affected with DENND5A-related conditions. Algorithms developed to predict the effect of missense changes on protein structure and function (SIFT, PolyPhen-2, Align-GVGD) all suggest that this variant is likely to be tolerated. In summary, the available evidence is currently insufficient to determine the role of this variant in disease. Therefore, it has been classified as a Variant of Uncertain Significance.

NM_015213.4(DENND5A):c.664G>A (p.Val222Met)

Gene: DENND5A (DENN domain containing 5A; minus strand). Cytogenetic location: 11p15.4.
Variant type: single nucleotide variant.
Coding change: c.664G>A on transcript NM_015213.4 (MANE Select); coding-DNA position 664, G replaced by A.
Protein change: p.Val222Met; replaces valine 222 with methionine.
Molecular consequence: missense variant. On other transcripts: non-coding transcript variant (1).
Genome position (GRCh38, 1-based): chr11:9,203,945, C>T on the plus strand (G>A on the coding strand, the complement: DENND5A is on the minus strand). VCF-style: chr11-9203945-C-T. GRCh37 (hg19) VCF-style: chr11-9225492-C-T.
Other names: c.664G>A, p.Val222Met (NM_001243254.2, NM_001348748.1); c.592G>A, p.Val198Met (NM_001348749.2); c.376G>A, p.Val126Met (NM_001348750.2); short protein forms V126M, V198M, V222M.
Identifiers: ClinVar variation 2080480 (VCV002080480.4), dbSNP rs139062341, ClinGen allele CA5877775.